The following is an entry in ClinVar:

ClinVar aggregate classification (germline): Likely benign (0 of 4 stars; one submission).

Conditions:
TMEM132D-related disorder. Also called: TMEM132D-related condition.

Allele frequency attached by ClinVar (database versions not stated): gnomAD exomes 0.00001.
gnomAD v4.1: 5 of 1,614,172 alleles (0.00031%); highest among the groups gnomAD compares: Middle Eastern, 0.066%; no homozygotes.

Submission:

PreventionGenetics, part of Exact Sciences
Classification: Likely benign for TMEM132D-related condition. Last evaluated: 2019-02-20. Review status: no assertion criteria provided. Collection method: clinical testing. Allele origin: germline.
Comment: This variant is classified as likely benign based on ACMG/AMP sequence variant interpretation guidelines (Richards et al. 2015 PMID: 25741868, with internal and published modifications).

NM_133448.3(TMEM132D):c.396C>T (p.His132=)

Gene: TMEM132D (transmembrane protein 132D; minus strand). Cytogenetic location: 12q24.33.
Variant type: single nucleotide variant.
Coding change: c.396C>T on transcript NM_133448.3 (MANE Select); coding-DNA position 396, C replaced by T.
Protein change: p.His132=; no amino-acid change (histidine 132 retained).
Molecular consequence: synonymous variant.
Genome position (GRCh38, 1-based): chr12:129,700,382, G>A on the plus strand (C>T on the coding strand, the complement: TMEM132D is on the minus strand). VCF-style: chr12-129700382-G-A. GRCh37 (hg19) VCF-style: chr12-130184927-G-A.
Identifiers: ClinVar variation 3058248 (VCV003058248.2), dbSNP rs868559863, ClinGen allele CA246009575.
Genomic context (GRCh38, chr12:129,700,382, plus strand): 5'-CATGATGTGGAACAGAACCTGCACTTTGGGCCGGCTCAGGTAGACTTTGTCCCGCAGGAT[G>A]TGGGCTTTTAGTTTCCAGTTAAGAGAAAATTTGTTGGTGAATCCAAATGGGTTGGAAGGT-3'
Protein context (NP_597705.2, residues 122-142): KFSLNWKLKA[His132=]ILRDKVYLSR